The following is an entry in ClinVar:

NM_002529.4(NTRK1):c.560C>T (p.Pro187Leu)

Gene: NTRK1 (neurotrophic receptor tyrosine kinase 1; plus strand). Cytogenetic location: 1q23.1.
Variant type: single nucleotide variant.
Coding change: c.560C>T on transcript NM_002529.4 (MANE Select); coding-DNA position 560, C replaced by T.
Protein change: p.Pro187Leu; replaces proline 187 with leucine.
Molecular consequence: missense variant.
Genome position (GRCh38, 1-based): chr1:156,868,235, C>T. VCF-style: chr1-156868235-C-T. GRCh37 (hg19) VCF-style: chr1-156838027-C-T.
Other names: c.470C>T, p.Pro157Leu (NM_001007792.1); c.560C>T, p.Pro187Leu (NM_001012331.2); short protein forms P157L, P187L.
Identifiers: ClinVar variation 245727 (VCV000245727.2), dbSNP rs879253918, ClinGen allele CA10584139.
Genomic context (GRCh38, chr1:156,868,235, plus strand): 5'-TGGGCGGAGTGCCTGAACAGAAGCTGCAGTGTCATGGGCAAGGGCCCCTGGCCCACATGC[C>T]CAATGCCAGCTGTGGTAGGTGCCGGGTGAGGGAGGTGGTGTAAGGGGGCTGGGGAAGAGA-3'
Protein context (NP_002520.2, residues 177-197): CHGQGPLAHM[Pro187Leu]NASCGVPTLK

ClinVar aggregate classification (germline): Uncertain significance (1 of 4 stars; one submission).

Allele frequency attached by ClinVar (database versions not stated): gnomAD exomes 0.00001.
gnomAD v4.1: 8 of 1,610,730 alleles (0.0005%); highest among the groups gnomAD compares: Non-Finnish European, 0.00068%; no homozygotes.

Submission:

GeneDx
Classification: Uncertain significance. Last evaluated: 2015-04-20. Review status: criteria provided, single submitter. Criteria: GeneDx Variant Classification (06012015). Collection method: clinical testing. Allele origin: germline. Affected: yes.
Comment: The P187L variant has not been published as a pathogenic variant, nor has it been reported as a benign polymorphism to our knowledge. It was not observed in approximately 6,500 individuals of European and African American ancestry in the NHLBI Exome Sequencing Project, indicating it is not a common benign variant in these populations. The P187L variant is a semi-conservative amino acid substitution, which may impact secondary protein structure as these residues differ in some properties. However, this substitution occurs at a position that is not conserved across species, and in silico analysis predicts this variant likely does not alter the protein structure/function. Additionally, missense mutations in nearby residues have not been reported in the Human Gene Mutation Database in association with NTRK1-related disorders (Stenson et al., 2014). Therefore, based on the currently available information, it is unclear whether this variant is a pathogenic variant or a rare benign variant.